The following is an entry in ClinVar:

NM_007294.4(BRCA1):c.134+13G>T

Gene: BRCA1 (BRCA1 DNA repair associated; minus strand). Cytogenetic location: 17q21.31.
Variant type: single nucleotide variant.
Coding change: c.134+13G>T on transcript NM_007294.4 (MANE Select); 13 bases into the intron after coding-DNA position 134, G replaced by T.
Molecular consequence: intron variant.
Genome position (GRCh38, 1-based): chr17:43,115,713, C>A on the plus strand (G>T on the coding strand, the complement: BRCA1 is on the minus strand). VCF-style: chr17-43115713-C-A. GRCh37 (hg19) VCF-style: chr17-41267730-C-A.
Other names: c.-8+13G>T (NM_001408458.1, NM_001408470.1, NM_001407848.1 and 47 more transcripts); c.-219+9564G>T (NM_001407967.1); c.-170+9564G>T (NM_001407959.1); c.-7-9180G>T (NM_001407931.1, NM_001407747.1, NM_001408511.1 and 2 more transcripts); c.-170+13G>T (NM_001407962.1, NM_001408512.1, NM_001408510.1 and 1 more transcripts); c.-55+13G>T (NM_001407885.1, NM_001407886.1, NM_001408509.1 and 52 more transcripts); c.-124+13G>T (NM_001407746.1, NM_001408468.1, NM_001407842.1 and 13 more transcripts); c.-8+8304G>T (NM_001408461.1, NM_001407738.1, NM_001407932.1 and 23 more transcripts); and 10 more.
Identifiers: ClinVar variation 867527 (VCV000867527.3), dbSNP rs1555599185, ClinGen allele CA916080970.

Conditions:
Breast-ovarian cancer, familial, susceptibility to, 1 (BROVCA1). Also called: BRCA1 Hereditary Breast and Ovarian Cancer; OVARIAN CANCER, SUSCEPTIBILITY TO. Identifiers: Orphanet 145, MedGen C2676676, MONDO:0011450, OMIM 604370. Disease mechanism: loss of function.

Submission:

Brotman Baty Institute, University of Washington
No classification provided (evidence only). Condition: Breast-ovarian cancer, familial 1. Review status: no classification provided. Collection method: in vitro. Allele origin: not applicable. Functional consequence: functionally_normal.
ClinVar note: "not provided" was previously submitted as the classification for the variant. However, the classification appeared to be based only on an observation of functional data so it was converted to no classification on 2025-07-30.